The following is an entry in ClinVar:

ClinVar aggregate classification (germline): Uncertain significance (1 of 4 stars; one submission).

Conditions:
Hereditary cancer-predisposing syndrome. Also called: Neoplastic Syndromes, Hereditary; Tumor predisposition; Hereditary neoplastic syndrome; Hereditary Cancer Syndrome. Identifiers: Orphanet 140162, MedGen C0027672, MeSH D009386, MONDO:0015356.

gnomAD v4.1: 1 of 1,613,774 alleles (0.000062%); highest among the groups gnomAD compares: Non-Finnish European, 0.000085%; no homozygotes.

Submission:

Ambry Genetics
Classification: Uncertain significance for Hereditary cancer-predisposing syndrome. Last evaluated: 2024-05-18. Review status: criteria provided, single submitter. Criteria: Ambry Variant Classification Scheme 2023. Collection method: clinical testing. Allele origin: germline.
Comment: The p.N468S variant (also known as c.1403A>G), located in coding exon 11 of the POT1 gene, results from an A to G substitution at nucleotide position 1403. The asparagine at codon 468 is replaced by serine, an amino acid with highly similar properties. This amino acid position is conserved. In addition, this alteration is predicted to be tolerated by in silico analysis. Based on the available evidence, the clinical significance of this variant remains unclear.

NM_015450.3(POT1):c.1403A>G (p.Asn468Ser)

Gene: POT1 (protection of telomeres 1; minus strand). Cytogenetic location: 7q31.33.
Variant type: single nucleotide variant.
Coding change: c.1403A>G on transcript NM_015450.3 (MANE Select); coding-DNA position 1403, A replaced by G.
Protein change: p.Asn468Ser; replaces asparagine 468 with serine.
Molecular consequence: missense variant. On other transcripts: non-coding transcript variant (3).
Genome position (GRCh38, 1-based): chr7:124,835,381, T>C on the plus strand (A>G on the coding strand, the complement: POT1 is on the minus strand). VCF-style: chr7-124835381-T-C. GRCh37 (hg19) VCF-style: chr7-124475435-T-C.
Other names: c.1010A>G, p.Asn337Ser (NM_001042594.2); short protein forms N337S, N468S.
Identifiers: ClinVar variation 3308971 (VCV003308971.1).